The following is an entry in ClinVar:

ClinVar aggregate classification (germline): Uncertain significance. Review status: criteria provided, multiple submitters, no conflicts (2 of 4 stars). 3 submissions from 3 submitters: Uncertain significance (3). Last evaluated 2025-09-24.

Conditions:
Generalized epilepsy with febrile seizures plus, type 7 (GEFSP7). Also called: GEFS+, TYPE 7. Identifiers: Orphanet 36387, MedGen C2751778, MONDO:0013470, OMIM 613863.
Neuropathy, hereditary sensory and autonomic, type 2A (HSAN2A). Also called: NEUROPATHY, CONGENITAL SENSORY; NEUROPATHY, HEREDITARY SENSORY RADICULAR, AUTOSOMAL RECESSIVE; NEUROPATHY, HEREDITARY SENSORY, TYPE IIA; NEUROPATHY, PROGRESSIVE SENSORY, OF CHILDREN; HSAN IIA; MORVAN DISEASE. Identifiers: Orphanet 970, MedGen C2752089, MONDO:0024309, OMIM 201300.
Inborn genetic diseases. Identifiers: MedGen C0950123, MeSH D030342.

Allele frequency attached by ClinVar (database versions not stated): ExAC 0.00002; gnomAD 0.00002; gnomAD exomes 0.00002 and 0.00003; TOPMed 0.00002; ESP Exome Variant Server 0.00008.
gnomAD v4.1: 39 of 1,612,478 alleles (0.0024%); highest among the groups gnomAD compares: Non-Finnish European, 0.003%; no homozygotes.

Submissions (3):

Ambry Genetics
Classification: Uncertain significance for Inborn genetic diseases. Last evaluated: 2025-09-24. Review status: criteria provided, single submitter. Criteria: Ambry Variant Classification Scheme 2023. Collection method: clinical testing. Allele origin: germline.

Labcorp Genetics (formerly Invitae), Labcorp
Classification: Uncertain significance for Neuropathy, hereditary sensory and autonomic, type 2A; Generalized epilepsy with febrile seizures plus, type 7. Last evaluated: 2025-06-22. Review status: criteria provided, single submitter. Criteria: Invitae Variant Classification Sherloc (09022015). Collection method: clinical testing. Allele origin: germline.
Comment: This sequence change replaces arginine, which is basic and polar, with serine, which is neutral and polar, at codon 657 of the SCN9A protein (p.Arg657Ser). This variant is present in population databases (rs200970256, gnomAD 0.004%). This missense change has been observed in individual(s) with small fiber neuropathy confirmed by skin biopsy (internal data). ClinVar contains an entry for this variant (Variation ID: 451017). Invitae Evidence Modeling of protein sequence and biophysical properties (such as structural, functional, and spatial information, amino acid conservation, physicochemical variation, residue mobility, and thermodynamic stability) indicates that this missense variant is not expected to disrupt SCN9A protein function with a negative predictive value of 95%. In summary, the available evidence is currently insufficient to determine the role of this variant in disease. Therefore, it has been classified as a Variant of Uncertain Significance.

GeneDx
Classification: Uncertain significance. Last evaluated: 2018-11-26. Review status: criteria provided, single submitter. Criteria: GeneDx Variant Classification (06012015). Collection method: clinical testing. Allele origin: germline. Affected: yes.
Comment: A variant of uncertain significance has been identified in the SCN9A gene. The R657S variant has not been published as a pathogenic variant, nor has it been reported as a benign variant to our knowledge. The R657S variant is not observed at a significant frequency in large population cohorts (Lek et al., 2016; 1000 Genomes Consortium et al., 2015; Exome Variant Server). The R657S variant is a semi-conservative amino acid substitution, which may impact secondary protein structure as these residues differ in some properties. This substitution occurs at a position that is conserved across species. In silico analysis predicts this variant is probably damaging to the protein structure/function. Based on the currently available information, it is unclear whether this variant is a pathogenic variant or a rare benign variant.

NM_001365536.1(SCN9A):c.2004G>T (p.Arg668Ser)

Genes: SCN9A (sodium voltage-gated channel alpha subunit 9; minus strand), SCN1A-AS1 (SCN1A and SCN9A antisense RNA 1; plus strand). Cytogenetic location: 2q24.3.
Variant type: single nucleotide variant.
Coding change: c.2004G>T on transcript NM_001365536.1 (MANE Select); coding-DNA position 2004, G replaced by T.
Protein change: p.Arg668Ser; replaces arginine 668 with serine.
Molecular consequence: missense variant.
Genome position (GRCh38, 1-based): chr2:166,281,779, C>A on the plus strand (G>T on the coding strand, the complement: SCN9A is on the minus strand). VCF-style: chr2-166281779-C-A. GRCh37 (hg19) VCF-style: chr2-167138289-C-A.
Other names: c.1971G>T, p.Arg657Ser (NM_002977.4); short protein forms R657S, R668S.
Identifiers: ClinVar variation 451017 (VCV000451017.13), dbSNP rs200970256, ClinGen allele CA1944362.